The following is an entry in ClinVar:

NM_003036.4(SKI):c.1096A>C (p.Ser366Arg)

Gene: SKI (SKI proto-oncogene; plus strand). Cytogenetic location: 1p36.32.
Variant type: single nucleotide variant.
Coding change: c.1096A>C on transcript NM_003036.4 (MANE Select); coding-DNA position 1096, A replaced by C.
Protein change: p.Ser366Arg; replaces serine 366 with arginine.
Molecular consequence: missense variant.
Genome position (GRCh38, 1-based): chr1:2,303,285, A>C. VCF-style: chr1-2303285-A-C. GRCh37 (hg19) VCF-style: chr1-2234724-A-C.
Other names: c.1096A>C (NM_003036.3); short protein forms S366R.
Identifiers: ClinVar variation 1330633 (VCV001330633.10), dbSNP rs1269741981, ClinGen allele CA337954299.

ClinVar aggregate classification (germline): Uncertain significance. Review status: criteria provided, multiple submitters, no conflicts (2 of 4 stars). 3 submissions from 3 submitters: Uncertain significance (3). Last evaluated 2025-09-22.

Conditions:
Shprintzen-Goldberg syndrome (SGS). Also called: SHPRINTZEN-GOLDBERG CRANIOSYNOSTOSIS SYNDROME; CRANIOSYNOSTOSIS WITH ARACHNODACTYLY AND ABDOMINAL HERNIAS; Marfanoid disorder with craniosynostosis type 1; Marfanoid craniosynostosis syndrome; Shprintzen-Goldberg marfanoid syndrome. Identifiers: Orphanet 2462, MedGen C1321551, MONDO:0008426, OMIM 182212.
Familial thoracic aortic aneurysm and aortic dissection (TAAD). Also called: Thoracic aortic aneurysms and dissections. Identifiers: Orphanet 91387, MedGen C4707243, MONDO:0019625.

Allele frequency attached by ClinVar (database versions not stated): gnomAD exomes below 0.00001 and 0.00002; TOPMed below 0.00001.
gnomAD v4.1: 28 of 1,613,338 alleles (0.0017%); highest among the groups gnomAD compares: Non-Finnish European, 0.0024%; no homozygotes.

Submissions (3):

Ambry Genetics
Classification: Uncertain significance for Familial thoracic aortic aneurysm and aortic dissection. Last evaluated: 2025-09-22. Review status: criteria provided, single submitter. Criteria: Ambry Variant Classification Scheme 2023. Collection method: clinical testing. Allele origin: germline.

Labcorp Genetics (formerly Invitae), Labcorp
Classification: Uncertain significance for Shprintzen-Goldberg syndrome. Last evaluated: 2024-07-22. Review status: criteria provided, single submitter. Criteria: Invitae Variant Classification Sherloc (09022015). Collection method: clinical testing. Allele origin: germline.
Comment: This sequence change replaces serine, which is neutral and polar, with arginine, which is basic and polar, at codon 366 of the SKI protein (p.Ser366Arg). This variant is present in population databases (no rsID available, gnomAD 0.0009%). This variant has not been reported in the literature in individuals affected with SKI-related conditions. ClinVar contains an entry for this variant (Variation ID: 1330633). An algorithm developed to predict the effect of missense changes on protein structure and function (PolyPhen-2) suggests that this variant is likely to be tolerated. In summary, the available evidence is currently insufficient to determine the role of this variant in disease. Therefore, it has been classified as a Variant of Uncertain Significance.

ARUP Laboratories, Molecular Genetics and Genomics, ARUP Laboratories
Classification: Uncertain significance for Shprintzen-Goldberg syndrome. Last evaluated: 2021-01-31. Review status: criteria provided, single submitter. Criteria: ARUP Molecular Germline Variant Investigation Process 2021. Collection method: clinical testing. Allele origin: germline.
Comment: The SKI c.1096A>C; p.Ser366Arg variant (rs1269741981), to our knowledge, is not reported in the medical literature or gene-specific databases. This variant is found on a single chromosome in the Genome Aggregation Database (1/251098 alleles), indicating it is not a common polymorphism. The serine at codon 366 is moderately conserved, and computational analyses are uncertain whether this variant is neutral or deleterious (REVEL: 0.283). However, due to limited information, the clinical significance of the p.Ser366Arg variant is uncertain at this time.